The following is an entry in ClinVar:

NM_133433.4(NIPBL):c.8149A>G (p.Lys2717Glu)

Gene: NIPBL (NIPBL cohesin loading factor; plus strand). Cytogenetic location: 5p13.2.
Variant type: single nucleotide variant.
Coding change: c.8149A>G on transcript NM_133433.4 (MANE Select); coding-DNA position 8149, A replaced by G.
Protein change: p.Lys2717Glu; replaces lysine 2717 with glutamic acid.
Molecular consequence: missense variant. On other transcripts: 3 prime UTR variant (2).
Genome position (GRCh38, 1-based): chr5:37,064,626, A>G. VCF-style: chr5-37064626-A-G. GRCh37 (hg19) VCF-style: chr5-37064728-A-G.
Other names: c.*93A>G (NM_001438586.1); c.*603A>G (NM_015384.5); short protein forms K2717E.
Identifiers: ClinVar variation 5020587 (VCV005020587.1).

ClinVar aggregate classification (germline): Uncertain significance (1 of 4 stars; one submission).

gnomAD v4.1: 3 of 1,614,212 alleles (0.00019%); highest among the groups gnomAD compares: Admixed American, 0.0033%; no homozygotes.

Submission:

Dasa
Classification: Uncertain significance. Last evaluated: 2026-05-10. Review status: criteria provided, single submitter. Criteria: DASA Assertion Criteria. Collection method: clinical testing. Allele origin: germline.
Comment: NM_133433.4(NIPBL):c.8149A>G (p.Lys2717Glu) is a missense variant that results in the substitution of lysine with glutamic acid. This variant has been reported in individuals with NIPBL-related disorders (PMID: 37377026). Also, this variant is rare in population databases. The currently available literature and clinical evidence are not sufficient to establish a definitive association between this variant and the reported condition. Therefore, this variant is classified as a variant of uncertain significance.

Literature cited by the submitters: PubMed 37377026.